The following is an entry in ClinVar:

ClinVar aggregate classification (germline): Uncertain significance (1 of 4 stars; one submission).

Submission:

Labcorp Genetics (formerly Invitae), Labcorp
Classification: Uncertain significance. Last evaluated: 2022-06-13. Review status: criteria provided, single submitter. Criteria: Invitae Variant Classification Sherloc (09022015). Collection method: clinical testing. Allele origin: germline.
Comment: In summary, the available evidence is currently insufficient to determine the role of this variant in disease. Therefore, it has been classified as a Variant of Uncertain Significance. Experimental studies and prediction algorithms are not available or were not evaluated, and the functional significance of this variant is currently unknown. This variant has been observed in individual(s) with clinical features of chylomicron retention disease (Invitae). This variant is not present in population databases (gnomAD no frequency). This variant, c.328_342dup, results in the insertion of 5 amino acid(s) of the SAR1B protein (p.Glu110_Glu114dup), but otherwise preserves the integrity of the reading frame.

NM_016103.4(SAR1B):c.328_342dup (p.Glu110_Glu114dup)

Gene: SAR1B (secretion associated Ras related GTPase 1B; minus strand). Cytogenetic location: 5q31.1.
Variant type: Duplication.
Coding change: c.328_342dup on transcript NM_016103.4 (MANE Select); coding-DNA positions 328 to 342, 15 bases duplicated (GAGTCAAAAGAAGAA).
Protein change: p.Glu110_Glu114dup.
Molecular consequence: inframe insertion.
Genome position (GRCh38, 1-based): chr5:134,609,577-134,609,591, TTCTTCTTTTGACTC duplicated on the plus strand (GAGTCAAAAGAAGAA on the coding strand, the reverse complement: SAR1B is on the minus strand); duplicating any 15 consecutive bases within chr5:134,609,577-134,609,592 gives the same sequence; the c. name uses the placement nearest the transcript's 3' end. VCF-style (leftmost placement, unchanged base first): chr5-134609576-G-GTTCTTCTTTTGACTC. GRCh37 (hg19) VCF-style: chr5-133945266-G-GTTCTTCTTTTGACTC.
Other names: c.328_342dup, p.Glu110_Glu114dup (NM_001033503.3).
Identifiers: ClinVar variation 1426371 (VCV001426371.5), dbSNP rs1344052480, ClinGen allele CA804194412.